The following is an entry in ClinVar:

ClinVar aggregate classification (germline): Uncertain significance. Review status: criteria provided, multiple submitters, no conflicts (2 of 4 stars). 2 submissions from 2 submitters: Uncertain significance (2). Last evaluated 2023-03-14.

Allele frequency attached by ClinVar (database versions not stated): gnomAD exomes below 0.00001; TOPMed below 0.00001; gnomAD 0.00001.
gnomAD v4.1: 3 of 1,611,050 alleles (0.00019%); highest among the groups gnomAD compares: Non-Finnish European, 0.00025%; no homozygotes.

Submissions (2):

GeneDx
Classification: Uncertain significance. Last evaluated: 2023-03-14. Review status: criteria provided, single submitter. Criteria: GeneDx Variant Classification Process June 2021. Collection method: clinical testing. Allele origin: germline. Affected: yes.
Comment: Not observed at significant frequency in large population cohorts (gnomAD); Missense variant in a gene in which most reported pathogenic variants are truncating/loss of function; Has not been previously published as pathogenic or benign to our knowledge

Revvity Omics, Revvity
Classification: Uncertain significance. Last evaluated: 2019-04-16. Review status: criteria provided, single submitter. Criteria: ACMG Guidelines, 2015. Collection method: clinical testing. Allele origin: germline.

NM_001267550.2(TTN):c.76837A>G (p.Ile25613Val)

Genes: TTN-AS1 (TTN antisense RNA 1; plus strand), TTN (titin; minus strand). Cytogenetic location: 2q31.2.
Variant type: single nucleotide variant.
Coding change: c.76837A>G on transcript NM_001267550.2 (MANE Select); coding-DNA position 76837, A replaced by G.
Protein change: p.Ile25613Val; replaces isoleucine 25613 with valine.
Molecular consequence: missense variant.
Genome position (GRCh38, 1-based): chr2:178,569,295, T>C on the plus strand (A>G on the coding strand, the complement: TTN is on the minus strand). VCF-style: chr2-178569295-T-C. GRCh37 (hg19) VCF-style: chr2-179434022-T-C.
Other names: c.49642A>G, p.Ile16548Val (NM_003319.4); c.69133A>G, p.Ile23045Val (NM_133378.4); c.50017A>G, p.Ile16673Val (NM_133432.3); c.50218A>G, p.Ile16740Val (NM_133437.4); c.71914A>G, p.Ile23972Val (NM_001256850.1); short protein forms I16548V, I16673V, I16740V, I23045V, I23972V, I25613V.
Identifiers: ClinVar variation 2438217 (VCV002438217.4), dbSNP rs1707239042, ClinGen allele CA349613699.